The following is an entry in ClinVar:

NM_001271.4(CHD2):c.847del (p.Val283fs)

Gene: CHD2 (chromodomain helicase DNA binding protein 2; plus strand). Cytogenetic location: 15q26.1.
Variant type: Deletion.
Coding change: c.847del on transcript NM_001271.4 (MANE Select); coding-DNA position 847, one base deleted (G; older notation c.847delG).
Protein change: p.Val283fs; shifts the reading frame from valine 283.
Molecular consequence: frameshift variant.
Genome position (GRCh38, 1-based): chr15:92,942,863, G deleted. VCF-style (leftmost placement, unchanged base first): chr15-92942862-TG-T. GRCh37 (hg19) VCF-style: chr15-93486092-TG-T.
Other names: c.847del, p.Val283fs (NM_001042572.3); short protein forms V283fs.
Identifiers: ClinVar variation 2718904 (VCV002718904.3), dbSNP rs2505446692, ClinGen allele CA2697549406.

ClinVar aggregate classification (germline): Pathogenic (1 of 4 stars; one submission).

Conditions:
Developmental and epileptic encephalopathy 94 (DEE94). Also called: CHD2-Related Neurodevelopmental Disorders; Epileptic encephalopathy, childhood-onset. Identifiers: Orphanet 1942, Orphanet 2382, MedGen C3809278, MONDO:0014150, OMIM 615369.

Submission:

Labcorp Genetics (formerly Invitae), Labcorp
Classification: Pathogenic for Developmental and epileptic encephalopathy 94. Last evaluated: 2023-06-18. Review status: criteria provided, single submitter. Criteria: Invitae Variant Classification Sherloc (09022015). Collection method: clinical testing. Allele origin: germline.
Comment: This sequence change creates a premature translational stop signal (p.Val283Tyrfs*50) in the CHD2 gene. It is expected to result in an absent or disrupted protein product. Loss-of-function variants in CHD2 are known to be pathogenic (PMID: 23708187, 24207121). For these reasons, this variant has been classified as Pathogenic. This variant has not been reported in the literature in individuals affected with CHD2-related conditions. This variant is not present in population databases (gnomAD no frequency).

Literature cited by the submitters: PubMed 23708187; PubMed 24207121.